The following is an entry in ClinVar:

ClinVar aggregate classification (germline): Pathogenic (1 of 4 stars; one submission).

Conditions:
Neurofibromatosis, type 1 (NF1). Also called: Neurofibromatosis, type I; NEUROFIBROMATOSIS, TYPE I, SOMATIC; Peripheral type neurofibromatosis; VON RECKLINGHAUSEN DISEASE. Identifiers: Orphanet 636, MedGen C0027831, MONDO:0018975, OMIM 162200. Disease mechanism: loss of function.

Submission:

Labcorp Genetics (formerly Invitae), Labcorp
Classification: Pathogenic for Neurofibromatosis, type 1. Last evaluated: 2021-07-16. Review status: criteria provided, single submitter. Criteria: Invitae Variant Classification Sherloc (09022015). Collection method: clinical testing. Allele origin: germline.
Comment: This sequence change creates a premature translational stop signal (p.Gln2213Lysfs*31) in the NF1 gene. It is expected to result in an absent or disrupted protein product. Loss-of-function variants in NF1 are known to be pathogenic (PMID: 10712197, 23913538). This variant is not present in population databases (ExAC no frequency). This variant has not been reported in the literature in individuals affected with NF1-related conditions. ClinVar contains an entry for this variant (Variation ID: 404452). For these reasons, this variant has been classified as Pathogenic.

Literature cited by the submitters: PubMed 10712197; PubMed 23913538.

NM_001042492.3(NF1):c.6699del (p.Gln2234fs)

Gene: NF1 (neurofibromin 1; plus strand). Cytogenetic location: 17q11.2.
Variant type: Deletion.
Coding change: c.6699del on transcript NM_001042492.3 (MANE Select); coding-DNA position 6699, one base deleted (T; older notation c.6699delT).
Protein change: p.Gln2234fs; shifts the reading frame from glutamine 2234.
Molecular consequence: frameshift variant.
Genome position (GRCh38, 1-based): chr17:31,337,875, T deleted. VCF-style (leftmost placement, unchanged base first): chr17-31337874-CT-C. GRCh37 (hg19) VCF-style: chr17-29664892-CT-C.
Other names: c.6636delT, p.Gln2213Lysfs (NM_000267.4); c.6636delT (NM_000267.3); short protein forms Q2213fs, Q2234fs.
Identifiers: ClinVar variation 404452 (VCV000404452.5), dbSNP rs1060500268, ClinGen allele CA16615307.
Genomic context (GRCh38, chr17:31,337,874, plus strand): 5'-TTTAGGCATGCATGAGAGATATTCCAACGTGCAAGTGGCTGGACCAGTGGACAGAACTAG[CT>C]CAAAGGTATGTCCTAAATTAAATATAAGTTGTAAAAATATGCATATTGTTGAAAATACAG-3'